The following is an entry in ClinVar:

ClinVar aggregate classification (germline): Uncertain significance (1 of 4 stars; one submission).

Conditions:
Cardiomyopathy (CMYO). Also called: Cardiomyopathies. Identifiers: Orphanet 167848, MedGen C0878544, MONDO:0004994, HP:0001638. Inheritance: Various modes of inheritance.

Allele frequency attached by ClinVar (database versions not stated): gnomAD exomes below 0.00001; ExAC 0.00001.
gnomAD v4.1: 1 of 1,613,848 alleles (0.000062%); highest among the groups gnomAD compares: South Asian, 0.0011%; no homozygotes.

Submission:

Color Diagnostics, LLC DBA Color Health
Classification: Uncertain significance for Cardiomyopathy. Last evaluated: 2023-12-04. Review status: criteria provided, single submitter. Criteria: ACMG Guidelines, 2015. Collection method: clinical testing. Allele origin: germline.
Comment: Variant of Uncertain Significance due to insufficient evidence: This missense variant is located in the cytoplasmic domain of the RYR2 protein. Computational prediction tools and conservation analyses are inconclusive regarding the impact of this variant on the protein function. Computational splicing tools suggest that this variant may not impact RNA splicing. To our knowledge, functional assays have not been performed for this variant nor has this variant been reported in individuals affected with cardiovascular disorders in the literature. This variant has been identified in 1/245980 chromosomes in the general population by the Genome Aggregation Database (gnomAD). Available evidence is insufficient to determine the pathogenicity of this variant conclusively.

NM_001035.3(RYR2):c.2450C>T (p.Pro817Leu)

Gene: RYR2 (ryanodine receptor 2; plus strand). Cytogenetic location: 1q43.
Variant type: single nucleotide variant.
Coding change: c.2450C>T on transcript NM_001035.3 (MANE Select); coding-DNA position 2450, C replaced by T.
Protein change: p.Pro817Leu; replaces proline 817 with leucine.
Molecular consequence: missense variant.
Genome position (GRCh38, 1-based): chr1:237,503,342, C>T. VCF-style: chr1-237503342-C-T. GRCh37 (hg19) VCF-style: chr1-237666642-C-T.
Other names: c.2450C>T, p.Pro817Leu (LRG_402t1); short protein forms P817L.
Identifiers: ClinVar variation 629674 (VCV000629674.4), dbSNP rs747582933, ClinGen allele CA086053.